The following is an entry in ClinVar:

NM_003922.4(HERC1):c.4804_4805del (p.Asp1602fs)

Gene: HERC1 (HECT and RLD domain containing E3 ubiquitin protein ligase family member 1; minus strand). Cytogenetic location: 15q22.31.
Variant type: Microsatellite.
Coding change: c.4804_4805del on transcript NM_003922.4 (MANE Select); coding-DNA positions 4804 to 4805, 2 bases deleted (GA; older notation c.4804_4805delGA).
Protein change: p.Asp1602fs; shifts the reading frame from aspartic acid 1602.
Molecular consequence: frameshift variant.
Genome position (GRCh38, 1-based): chr15:63,698,828-63,698,829, TC deleted on the plus strand (GA on the coding strand, the reverse complement: HERC1 is on the minus strand); deleting any 2 consecutive bases within chr15:63,698,828-63,698,831 gives the same sequence; the c. name uses the placement nearest the transcript's 3' end. VCF-style (leftmost placement, unchanged base first): chr15-63698827-ATC-A. GRCh37 (hg19) VCF-style: chr15-63991026-ATC-A.
Other names: short protein forms D1602fs.
Identifiers: ClinVar variation 3345531 (VCV003345531.1).

ClinVar aggregate classification (germline): Likely pathogenic (0 of 4 stars; one submission).

Conditions:
HERC1-related disorder. Also called: HERC1-related condition.

Submission:

PreventionGenetics, part of Exact Sciences
Classification: Likely pathogenic for HERC1-related condition. Last evaluated: 2024-06-28. Review status: no assertion criteria provided. Collection method: clinical testing. Allele origin: germline.
Comment: The HERC1 c.4804_4805delGA variant is predicted to result in a frameshift and premature protein termination (p.Asp1602Cysfs*8). To our knowledge, this variant has not been reported in the literature or in a large population database, indicating this variant is rare. Frameshift variants in HERC1 are expected to be pathogenic. This variant is interpreted as likely pathogenic.